The following is an entry in ClinVar:

NR_199791.1(RNU2-2):n.163G>A

Genes: RNU2-2 (RNA, U2 small nuclear 2; minus strand), WDR74 (WD repeat domain 74; minus strand). Cytogenetic location: 11q12.3.
Variant type: single nucleotide variant.
Molecular consequence: non-coding transcript variant (on NR_199791.1). On other transcripts: 5 prime UTR variant (1).
Genome position: GRCh38 VCF-style: chr11-62841647-C-T. GRCh37 (hg19) VCF-style: chr11-62609119-C-T.
Other names: c.-376G>A (NM_001369451.1).
Identifiers: ClinVar variation 5039848 (VCV005039848.1).

ClinVar aggregate classification (germline): Uncertain significance (1 of 4 stars; one submission).

gnomAD v4.1: 7 of 152,246 alleles (0.0046%); highest among the groups gnomAD compares: African/African-American, 0.0072%; no homozygotes.

Submission:

CeGaT Center for Human Genetics Tuebingen
Classification: Uncertain significance. Last evaluated: 2026-07-01. Review status: criteria provided, single submitter. Criteria: CeGaT Center For Human Genetics Tuebingen Variant Classification Criteria Version 2. Collection method: clinical testing. Allele origin: germline. Affected: yes. Observed: 1 variant allele.
Comment: RNU2-2: PM2